The following is an entry in ClinVar:

NM_006648.4(WNK2):c.6623C>T (p.Thr2208Ile)

Gene: WNK2 (WNK lysine deficient protein kinase 2; plus strand). Cytogenetic location: 9q22.31.
Variant type: single nucleotide variant.
Coding change: c.6623C>T on transcript NM_006648.4 (MANE Select); coding-DNA position 6623, C replaced by T.
Protein change: p.Thr2208Ile; replaces threonine 2208 with isoleucine.
Molecular consequence: missense variant.
Genome position (GRCh38, 1-based): chr9:93,317,626, C>T. VCF-style: chr9-93317626-C-T. GRCh37 (hg19) VCF-style: chr9-96079908-C-T.
Other names: c.6734C>T, p.Thr2245Ile (NM_001282394.3); short protein forms T2245I, T2208I.
Identifiers: ClinVar variation 2283629 (VCV002283629.3), dbSNP rs1854947781, ClinGen allele CA374049052.

ClinVar aggregate classification (germline): Uncertain significance (1 of 4 stars; one submission).

Allele frequency attached by ClinVar (database versions not stated): gnomAD 0.00001.
gnomAD v4.1: 1 of 1,612,800 alleles (0.000062%); highest among the groups gnomAD compares: East Asian, 0.0022%; no homozygotes.

Submission:

Ambry Genetics
Classification: Uncertain significance. Last evaluated: 2024-12-16. Review status: criteria provided, single submitter. Criteria: Ambry Variant Classification Scheme 2023. Collection method: clinical testing. Allele origin: germline.
Comment: The p.T2208I variant (also known as c.6623C>T), located in coding exon 28 of the WNK2 gene, results from a C to T substitution at nucleotide position 6623. The threonine at codon 2208 is replaced by isoleucine, an amino acid with similar properties. This amino acid position is conserved. In addition, this alteration is predicted to be tolerated by in silico analysis. Based on the available evidence, the clinical significance of this variant remains unclear.